The following is an entry in ClinVar:

NM_000342.4(SLC4A1):c.620del (p.Gly207fs)

Gene: SLC4A1 (solute carrier family 4 member 1 (Diego blood group); minus strand). Cytogenetic location: 17q21.31.
Variant type: Deletion.
Coding change: c.620del on transcript NM_000342.4 (MANE Select); coding-DNA position 620, one base deleted (G; older notation c.620delG).
Protein change: p.Gly207fs; shifts the reading frame from glycine 207.
Molecular consequence: frameshift variant.
Genome position (GRCh38, 1-based): chr17:44,259,571, C deleted on the plus strand (G on the coding strand, the reverse complement: SLC4A1 is on the minus strand); the first of 5 consecutive C bases (chr17:44,259,571-44,259,575); deleting any one gives the same sequence. VCF-style (leftmost placement, unchanged base first): chr17-44259570-GC-G. GRCh37 (hg19) VCF-style: chr17-42336938-GC-G.
Other names: short protein forms G207fs.
Identifiers: ClinVar variation 4710386 (VCV004710386.1).

ClinVar aggregate classification (germline): Pathogenic (1 of 4 stars; one submission).

Submission:

Labcorp Genetics (formerly Invitae), Labcorp
Classification: Pathogenic. Last evaluated: 2025-11-27. Review status: criteria provided, single submitter. Criteria: Invitae Variant Classification Sherloc (09022015). Collection method: clinical testing. Allele origin: germline.
Comment: This sequence change creates a premature translational stop signal (p.Gly207Alafs*24) in the SLC4A1 gene. It is expected to result in an absent or disrupted protein product. Loss-of-function variants in SLC4A1 are known to be pathogenic (PMID: 8943874, 10926824, 23255290). This variant is not present in population databases (gnomAD no frequency). This premature translational stop signal has been observed in individual(s) with autosomal dominant hereditary spherocytosis (PMID: 23255290). For these reasons, this variant has been classified as Pathogenic.

Literature cited by the submitters: PubMed 8943874; PubMed 10926824; PubMed 23255290.